The following is an entry in ClinVar:

ClinVar aggregate classification (germline): Uncertain significance (1 of 4 stars; one submission).

Conditions:
TAOK2-related disorder. Also called: TAOK2-related condition.

Submission:

PreventionGenetics, part of Exact Sciences
Classification: Uncertain significance for TAOK2-related condition. Last evaluated: 2026-05-28. Review status: criteria provided, single submitter. Criteria: ACMG Guidelines, 2015. Collection method: clinical testing. Allele origin: germline.
Comment: The TAOK2 c.451G>T variant is predicted to result in the amino acid substitution p.Asp151Tyr. To our knowledge, this variant has not been reported in the literature or in a large population database (gnomAD), indicating this variant is rare. At this time, the clinical significance of this variant is uncertain due to the absence of conclusive functional and genetic evidence.

NM_016151.4(TAOK2):c.451G>T (p.Asp151Tyr)

Gene: TAOK2 (TAO kinase 2; plus strand). Cytogenetic location: 16p11.2.
Variant type: single nucleotide variant.
Coding change: c.451G>T on transcript NM_016151.4 (MANE Select); coding-DNA position 451, G replaced by T.
Protein change: p.Asp151Tyr; replaces aspartic acid 151 with tyrosine.
Molecular consequence: missense variant.
Genome position (GRCh38, 1-based): chr16:29,979,196, G>T. VCF-style: chr16-29979196-G-T. GRCh37 (hg19) VCF-style: chr16-29990517-G-T.
Other names: c.451G>T, p.Asp151Tyr (NM_001252043.2, NM_004783.4); short protein forms D151Y.
Identifiers: ClinVar variation 4991764 (VCV004991764.1).
Genomic context (GRCh38, chr16:29,979,196, plus strand): 5'-CTGCCCCTGCCTAGCTTTCTTGAGACACATGTCTCATCCCTGTACTTTGCCTCTGGCAGG[G>T]ATGTGAAGGCTGGAAACATCCTGCTGTCAGAGCCAGGGTTAGTGAAGCTAGGGGACTTTG-3'
Protein context (NP_057235.2, residues 141-161): YLHSHNMIHR[Asp151Tyr]VKAGNILLSE